The following is an entry in ClinVar:

ClinVar aggregate classification (germline): Uncertain significance (1 of 4 stars; one submission).

Conditions:
Noonan syndrome 9 (NS9). Identifiers: Orphanet 648, MedGen C4225282, MONDO:0014691, OMIM 616559.

Submission:

Labcorp Genetics (formerly Invitae), Labcorp
Classification: Uncertain significance for Noonan syndrome 9. Last evaluated: 2024-05-21. Review status: criteria provided, single submitter. Criteria: Invitae Variant Classification Sherloc (09022015). Collection method: clinical testing. Allele origin: germline.
Comment: This sequence change replaces glycine, which is neutral and non-polar, with alanine, which is neutral and non-polar, at codon 1198 of the SOS2 protein (p.Gly1198Ala). This variant is not present in population databases (gnomAD no frequency). This variant has not been reported in the literature in individuals affected with SOS2-related conditions. ClinVar contains an entry for this variant (Variation ID: 1448699). Advanced modeling of protein sequence and biophysical properties (such as structural, functional, and spatial information, amino acid conservation, physicochemical variation, residue mobility, and thermodynamic stability) performed at Invitae indicates that this missense variant is not expected to disrupt SOS2 protein function with a negative predictive value of 95%. In summary, the available evidence is currently insufficient to determine the role of this variant in disease. Therefore, it has been classified as a Variant of Uncertain Significance.

NM_006939.4(SOS2):c.3593G>C (p.Gly1198Ala)

Gene: SOS2 (SOS Ras/Rho guanine nucleotide exchange factor 2; minus strand). Cytogenetic location: 14q21.3.
Variant type: single nucleotide variant.
Coding change: c.3593G>C on transcript NM_006939.4 (MANE Select); coding-DNA position 3593, G replaced by C.
Protein change: p.Gly1198Ala; replaces glycine 1198 with alanine.
Molecular consequence: missense variant.
Genome position (GRCh38, 1-based): chr14:50,118,750, C>G on the plus strand (G>C on the coding strand, the complement: SOS2 is on the minus strand). VCF-style: chr14-50118750-C-G. GRCh37 (hg19) VCF-style: chr14-50585468-C-G.
Other names: short protein forms G1198A.
Identifiers: ClinVar variation 1448699 (VCV001448699.6), dbSNP rs2139465314, ClinGen allele CA389638603.